The following is an entry in ClinVar:

NR_003051.3(RMRP):n.-88dup

Gene: RMRP (RNA component of mitochondrial RNA processing endoribonuclease; minus strand). Cytogenetic location: 9p13.3.
Variant type: Duplication.
Genome position: GRCh38 VCF-style: chr9-35658105-T-TA. GRCh37 (hg19) VCF-style: chr9-35658102-T-TA.
Identifiers: ClinVar variation 641705 (VCV000641705.4), dbSNP rs1052348382, ClinGen allele CA192745809.

ClinVar aggregate classification (germline): Uncertain significance. Review status: criteria provided, single submitter (1 of 4 stars). 2 submissions from 2 submitters: Uncertain significance (1). 1 of the submissions does not count toward it. Last evaluated 2026-01-11.

Conditions:
Metaphyseal chondrodysplasia, McKusick type (CHH). Also called: Cartilage-Hair Hypoplasia (CHH); Cartilage-hair hypoplasia. Identifiers: Orphanet 175, MedGen C0220748, MONDO:0009595, OMIM 250250.
Anauxetic dysplasia. Identifiers: Orphanet 93347, MedGen C1846796, MONDO:0011773.

Submissions (2):

Labcorp Genetics (formerly Invitae), Labcorp
Classification: Uncertain significance for Anauxetic dysplasia. Last evaluated: 2026-01-11. Review status: criteria provided, single submitter. Criteria: Invitae Variant Classification Sherloc (09022015). Collection method: clinical testing. Allele origin: germline.
Comment: This variant occurs in the RMRP gene, which encodes an RNA molecule that does not result in a protein product. This variant is present in population databases (no rsID available, gnomAD 0.05%). This variant has not been reported in the literature in individuals affected with RMRP-related conditions. ClinVar contains an entry for this variant (Variation ID: 641705). Experimental studies and prediction algorithms are not available or were not evaluated, and the functional significance of this variant is currently unknown. In summary, the available evidence is currently insufficient to determine the role of this variant in disease. Therefore, it has been classified as a Variant of Uncertain Significance.

Natera, Inc.
Classification: Uncertain significance for Cartilage-hair hypoplasia. Last evaluated: 2019-11-11. Review status: no assertion criteria provided. Collection method: clinical testing. Allele origin: germline. Not counted in ClinVar's aggregate classification.